The following is an entry in ClinVar:

NM_003743.5(NCOA1):c.1657G>A (p.Gly553Ser)

Gene: NCOA1 (nuclear receptor coactivator 1; plus strand). Cytogenetic location: 2p23.3.
Variant type: single nucleotide variant.
Coding change: c.1657G>A on transcript NM_003743.5 (MANE Select); coding-DNA position 1657, G replaced by A.
Protein change: p.Gly553Ser; replaces glycine 553 with serine.
Molecular consequence: missense variant.
Genome position (GRCh38, 1-based): chr2:24,707,127, G>A. VCF-style: chr2-24707127-G-A. GRCh37 (hg19) VCF-style: chr2-24929996-G-A.
Other names: c.1657G>A, p.Gly553Ser (NM_001362950.1, NM_001362952.1, NM_001362954.1 and 3 more transcripts); short protein forms G553S.
Identifiers: ClinVar variation 4998305 (VCV004998305.1).

ClinVar aggregate classification (germline): Uncertain significance (1 of 4 stars; one submission).

Conditions:
NCOA1-related disorder. Also called: NCOA1-related condition.

Submission:

PreventionGenetics, part of Exact Sciences
Classification: Uncertain significance for NCOA1-related condition. Last evaluated: 2024-11-29. Review status: criteria provided, single submitter. Criteria: ACMG Guidelines, 2015. Collection method: clinical testing. Allele origin: germline.
Comment: The NCOA1 c.1657G>A variant is predicted to result in the amino acid substitution p.Gly553Ser. To our knowledge, this variant has not been reported in the literature or in a large population database (gnomAD), indicating this variant is rare. At this time, the clinical significance of this variant is uncertain due to the absence of conclusive functional and genetic evidence.